The following is an entry in ClinVar:

ClinVar aggregate classification (germline): Benign/Likely benign. Review status: criteria provided, multiple submitters, no conflicts (2 of 4 stars). 2 submissions from 2 submitters: Benign (1); Likely benign (1). Last evaluated 2026-03-01.

Conditions:
Charcot-Marie-Tooth disease axonal type 2O. Also called: CHARCOT-MARIE-TOOTH NEUROPATHY, AXONAL, TYPE 2O; CHARCOT-MARIE-TOOTH DISEASE, AXONAL, AUTOSOMAL DOMINANT, TYPE 2O; Charcot-Marie-Tooth Neuropathy Type 2O; Charcot-Marie-Tooth disease, axonal, type 20. Identifiers: Orphanet 284232, MedGen C3280220, MONDO:0013644, OMIM 614228.

Allele frequency attached by ClinVar (database versions not stated): ExAC 0.00001; gnomAD 0.00001; gnomAD exomes 0.00001.
gnomAD v4.1: 18 of 1,614,016 alleles (0.0011%); highest among the groups gnomAD compares: African/African-American, 0.0067%; 1 homozygote.

Submissions (2):

CeGaT Center for Human Genetics Tuebingen
Classification: Likely benign. Last evaluated: 2026-03-01. Review status: criteria provided, single submitter. Criteria: CeGaT Center For Human Genetics Tuebingen Variant Classification Criteria Version 2. Collection method: clinical testing. Allele origin: germline. Affected: yes. Observed: 1 variant allele.
Comment: DYNC1H1: BP4, BP7

Labcorp Genetics (formerly Invitae), Labcorp
Classification: Benign for Charcot-Marie-Tooth disease axonal type 2O. Last evaluated: 2024-11-05. Review status: criteria provided, single submitter. Criteria: Invitae Variant Classification Sherloc (09022015). Collection method: clinical testing. Allele origin: germline.

NM_001376.5(DYNC1H1):c.13449C>T (p.Ser4483=)

Gene: DYNC1H1 (dynein cytoplasmic 1 heavy chain 1; plus strand). Cytogenetic location: 14q32.31.
Variant type: single nucleotide variant.
Coding change: c.13449C>T on transcript NM_001376.5 (MANE Select); coding-DNA position 13449, C replaced by T.
Protein change: p.Ser4483=; no amino-acid change (serine 4483 retained).
Molecular consequence: synonymous variant.
Genome position (GRCh38, 1-based): chr14:102,049,516, C>T. VCF-style: chr14-102049516-C-T. GRCh37 (hg19) VCF-style: chr14-102515853-C-T.
Identifiers: ClinVar variation 1601568 (VCV001601568.12), dbSNP rs112444677, ClinGen allele CA7354247.